The following is an entry in ClinVar:

NM_014975.3(MAST1):c.4364C>T (p.Ala1455Val)

Gene: MAST1 (microtubule associated serine/threonine kinase 1; plus strand). Cytogenetic location: 19p13.13.
Variant type: single nucleotide variant.
Coding change: c.4364C>T on transcript NM_014975.3 (MANE Select); coding-DNA position 4364, C replaced by T.
Protein change: p.Ala1455Val; replaces alanine 1455 with valine.
Molecular consequence: missense variant.
Genome position (GRCh38, 1-based): chr19:12,874,521, C>T. VCF-style: chr19-12874521-C-T. GRCh37 (hg19) VCF-style: chr19-12985335-C-T.
Other names: c.4364C>T (NM_014975.2); short protein forms A1455V.
Identifiers: ClinVar variation 1975719 (VCV001975719.6), dbSNP rs1003114124, ClinGen allele CA305495843.

ClinVar aggregate classification (germline): Uncertain significance. Review status: criteria provided, multiple submitters, no conflicts (2 of 4 stars). 2 submissions from 2 submitters: Uncertain significance (2). Last evaluated 2024-04-27.

Conditions:
Inborn genetic diseases. Identifiers: MedGen C0950123, MeSH D030342.

Allele frequency attached by ClinVar (database versions not stated): TOPMed 0.00002; gnomAD 0.00003.
gnomAD v4.1: 59 of 1,535,466 alleles (0.0038%); highest among the groups gnomAD compares: Non-Finnish European, 0.0049%; no homozygotes.

Submissions (2):

Ambry Genetics
Classification: Uncertain significance for Inborn genetic diseases. Last evaluated: 2024-04-27. Review status: criteria provided, single submitter. Criteria: Ambry Variant Classification Scheme 2023. Collection method: clinical testing. Allele origin: germline.

Labcorp Genetics (formerly Invitae), Labcorp
Classification: Uncertain significance. Last evaluated: 2023-09-25. Review status: criteria provided, single submitter. Criteria: Invitae Variant Classification Sherloc (09022015). Collection method: clinical testing. Allele origin: germline.
Comment: In summary, the available evidence is currently insufficient to determine the role of this variant in disease. Therefore, it has been classified as a Variant of Uncertain Significance. Algorithms developed to predict the effect of missense changes on protein structure and function output the following: SIFT: "Not Available"; PolyPhen-2: "Benign"; Align-GVGD: "Not Available". The valine amino acid residue is found in multiple mammalian species, which suggests that this missense change does not adversely affect protein function. ClinVar contains an entry for this variant (Variation ID: 1975719). This variant has not been reported in the literature in individuals affected with MAST1-related conditions. This variant is present in population databases (no rsID available, gnomAD 0.003%). This sequence change replaces alanine, which is neutral and non-polar, with valine, which is neutral and non-polar, at codon 1455 of the MAST1 protein (p.Ala1455Val).